The following is an entry in ClinVar:

ClinVar aggregate classification (germline): Uncertain significance (1 of 4 stars; one submission).

gnomAD v4.1: 3 of 1,524,450 alleles (0.0002%); highest among the groups gnomAD compares: African/African-American, 0.0014%; no homozygotes.

Submission:

Labcorp Genetics (formerly Invitae), Labcorp
Classification: Uncertain significance. Last evaluated: 2026-01-05. Review status: criteria provided, single submitter. Criteria: Invitae Variant Classification Sherloc (09022015). Collection method: clinical testing. Allele origin: germline.
Comment: This sequence change falls in intron 11 of the TOP2B gene. It does not directly change the encoded amino acid sequence of the TOP2B protein. It affects a nucleotide within the consensus splice site. This variant is not present in population databases (gnomAD no frequency). This variant has not been reported in the literature in individuals affected with TOP2B-related conditions. Variants that disrupt the consensus splice site are a relatively common cause of aberrant splicing (PMID: 17576681, 9536098). Algorithms developed to predict the effect of sequence changes on RNA splicing suggest that this variant is not likely to affect RNA splicing. In summary, the available evidence is currently insufficient to determine the role of this variant in disease. Therefore, it has been classified as a Variant of Uncertain Significance.

Literature cited by the submitters: PubMed 17576681; PubMed 9536098.

NM_001330700.2(TOP2B):c.1406-3C>T

Gene: TOP2B (DNA topoisomerase II beta; minus strand). Cytogenetic location: 3p24.2.
Variant type: single nucleotide variant.
Coding change: c.1406-3C>T on transcript NM_001330700.2 (MANE Select); 3 bases into the intron before coding-DNA position 1406, C replaced by T.
Molecular consequence: intron variant.
Genome position (GRCh38, 1-based): chr3:25,630,472, G>A on the plus strand (C>T on the coding strand, the complement: TOP2B is on the minus strand). VCF-style: chr3-25630472-G-A. GRCh37 (hg19) VCF-style: chr3-25671963-G-A.
Other names: c.1391-3C>T (NM_001068.3).
Identifiers: ClinVar variation 4760329 (VCV004760329.1).